The following is an entry in ClinVar:

NM_000317.3(PTS):c.187-2A>G

Gene: PTS (6-pyruvoyltetrahydropterin synthase; plus strand). Cytogenetic location: 11q23.1.
Variant type: single nucleotide variant.
Coding change: c.187-2A>G on transcript NM_000317.3 (MANE Select); the canonical splice acceptor site of the intron before coding-DNA position 187, A replaced by G.
Molecular consequence: splice acceptor variant.
Genome position (GRCh38, 1-based): chr11:112,230,624, A>G. VCF-style: chr11-112230624-A-G. GRCh37 (hg19) VCF-style: chr11-112101347-A-G.
Identifiers: ClinVar variation 1067075 (VCV001067075.7), dbSNP rs2135409169, ClinGen allele CA382627604.
Genomic context (GRCh38, chr11:112,230,624, plus strand): 5'-TTTGCCAGCCGTTTAATATGGAGAGCCTATCACAGTAATATTCACCTTTGTTTATTCTTT[A>G]GATTGACCCTGCTACGGGAATGGTTATGAATCTGGCTGATCTCAAAAAATATATGGAGGT-3'

ClinVar aggregate classification (germline): Likely pathogenic. Review status: criteria provided, multiple submitters, no conflicts (2 of 4 stars). 2 submissions from 2 submitters: Likely pathogenic (2). Last evaluated 2023-03-31.

Conditions:
6-Pyruvoyl-tetrahydrobiopterin synthase deficiency. Also called: 6-Pyruvoyltetrahydropterin Synthase Deficiency; HYPERPHENYLALANINEMIA, TETRAHYDROBIOPTERIN-DEFICIENT, DUE TO PTS DEFICIENCY; PTS-Related Tetrahydrobiopterin Deficiency; PTS DEFICIENCY; BH4-deficient hyperphenylalaninemia A; Hyperphenylalanemia, BH4-deficient, A. Identifiers: Orphanet 13, Orphanet 238583, MedGen C0878676, MONDO:0009863, OMIM 261640.

Submissions (2):

Women's Health and Genetics/Laboratory Corporation of America, LabCorp
Classification: Likely pathogenic for 6-Pyruvoyl-tetrahydrobiopterin synthase deficiency. Last evaluated: 2023-03-31. Review status: criteria provided, single submitter. Criteria: LabCorp Variant Classification Summary - May 2015. Collection method: clinical testing. Allele origin: germline.
Comment: Variant summary: PTS c.187-2A>G is located in a canonical splice-site and is predicted to affect mRNA splicing resulting in a significantly altered protein due to either exon skipping, shortening, or inclusion of intronic material. Several computational tools predict a significant impact on normal splicing: Four predict the variant abolishes a 3 prime acceptor site. However, these predictions have yet to be confirmed by functional studies. The variant was absent in 251422 control chromosomes. To our knowledge, no occurrence of c.187-2A>G in individuals affected with 6-Pyruvoyl-Tetrahydropterin Synthase Deficiency and no experimental evidence demonstrating its impact on protein function have been reported. One clinical diagnostic laboratory has submitted clinical-significance assessments for this variant to ClinVar after 2014 without evidence for independent evaluation and classified the variant as likely pathogenic. Based on the evidence outlined above, the variant was classified as likely pathogenic.

Labcorp Genetics (formerly Invitae), Labcorp
Classification: Likely pathogenic for 6-Pyruvoyl-tetrahydrobiopterin synthase deficiency. Last evaluated: 2020-08-08. Review status: criteria provided, single submitter. Criteria: Invitae Variant Classification Sherloc (09022015). Collection method: clinical testing. Allele origin: germline.
Comment: This sequence change affects an acceptor splice site in intron 3 of the PTS gene. It is expected to disrupt RNA splicing and likely results in an absent or disrupted protein product. In summary, the currently available evidence indicates that the variant is pathogenic, but additional data are needed to prove that conclusively. Therefore, this variant has been classified as Likely Pathogenic. Donor and acceptor splice site variants typically lead to a loss of protein function (PMID: 16199547), and loss-of-function variants in PTS are known to be pathogenic (PMID: 3297709, 16917893). Algorithms developed to predict the effect of sequence changes on RNA splicing suggest that this variant may disrupt the consensus splice site, but this prediction has not been confirmed by published transcriptional studies. This variant has not been reported in the literature in individuals with PTS-related conditions. This variant is not present in population databases (ExAC no frequency).

Literature cited by the submitters: PubMed 16199547 (cited by Labcorp Genetics (formerly Invitae), Labcorp); PubMed 3297709 (cited by Labcorp Genetics (formerly Invitae), Labcorp); PubMed 16917893 (cited by Labcorp Genetics (formerly Invitae), Labcorp).